The following is an entry in ClinVar:

NM_001378454.1(ALMS1):c.5441T>C (p.Val1814Ala)

Gene: ALMS1 (ALMS1 centrosome and basal body associated protein; plus strand). Cytogenetic location: 2p13.1.
Variant type: single nucleotide variant.
Coding change: c.5441T>C on transcript NM_001378454.1 (MANE Select); coding-DNA position 5441, T replaced by C.
Protein change: p.Val1814Ala; replaces valine 1814 with alanine.
Molecular consequence: missense variant.
Genome position (GRCh38, 1-based): chr2:73,451,968, T>C. VCF-style: chr2-73451968-T-C. GRCh37 (hg19) VCF-style: chr2-73679095-T-C.
Other names: c.5444T>C, p.Val1815Ala (NM_015120.4); short protein forms V1814A, V1815A.
Identifiers: ClinVar variation 1363233 (VCV001363233.3), dbSNP rs2103786511, ClinGen allele CA347282137.

ClinVar aggregate classification (germline): Uncertain significance (1 of 4 stars; one submission).

Conditions:
Alstrom syndrome (ALMS). Identifiers: Orphanet 64, MedGen C0268425, MONDO:0008763, OMIM 203800.

Submission:

Labcorp Genetics (formerly Invitae), Labcorp
Classification: Uncertain significance for Alstrom syndrome. Last evaluated: 2021-10-05. Review status: criteria provided, single submitter. Criteria: Invitae Variant Classification Sherloc (09022015). Collection method: clinical testing. Allele origin: germline.
Comment: This sequence change replaces valine with alanine at codon 1815 of the ALMS1 protein (p.Val1815Ala). The valine residue is weakly conserved and there is a small physicochemical difference between valine and alanine. This variant is not present in population databases (ExAC no frequency). This variant has not been reported in the literature in individuals affected with ALMS1-related conditions. Experimental studies and prediction algorithms are not available or were not evaluated, and the functional significance of this variant is currently unknown. In summary, the available evidence is currently insufficient to determine the role of this variant in disease. Therefore, it has been classified as a Variant of Uncertain Significance.